The following is an entry in ClinVar:

ClinVar aggregate classification (germline): Uncertain significance (1 of 4 stars; one submission).

Allele frequency attached by ClinVar (database versions not stated): gnomAD exomes below 0.00001; gnomAD 0.00001; TOPMed 0.00001.
gnomAD v4.1: 3 of 1,614,052 alleles (0.00019%); highest among the groups gnomAD compares: Admixed American, 0.0033%; no homozygotes.

Submission:

Labcorp Genetics (formerly Invitae), Labcorp
Classification: Uncertain significance. Last evaluated: 2022-08-21. Review status: criteria provided, single submitter. Criteria: Invitae Variant Classification Sherloc (09022015). Collection method: clinical testing. Allele origin: germline.
Comment: This sequence change replaces glutamic acid, which is acidic and polar, with glutamine, which is neutral and polar, at codon 368 of the ERCC6 protein (p.Glu368Gln). This variant is present in population databases (no rsID available, gnomAD 0.003%). This variant has not been reported in the literature in individuals affected with ERCC6-related conditions. ClinVar contains an entry for this variant (Variation ID: 1379419). Algorithms developed to predict the effect of missense changes on protein structure and function output the following: SIFT: "Deleterious"; PolyPhen-2: "Benign"; Align-GVGD: "Class C25". The glutamine amino acid residue is found in multiple mammalian species, which suggests that this missense change does not adversely affect protein function. In summary, the available evidence is currently insufficient to determine the role of this variant in disease. Therefore, it has been classified as a Variant of Uncertain Significance.

NM_000124.4(ERCC6):c.1102G>C (p.Glu368Gln)

Gene: ERCC6 (ERCC excision repair 6, chromatin remodeling factor; minus strand). Cytogenetic location: 10q11.23.
Variant type: single nucleotide variant.
Coding change: c.1102G>C on transcript NM_000124.4 (MANE Select); coding-DNA position 1102, G replaced by C.
Protein change: p.Glu368Gln; replaces glutamic acid 368 with glutamine.
Molecular consequence: missense variant.
Genome position (GRCh38, 1-based): chr10:49,524,328, C>G on the plus strand (G>C on the coding strand, the complement: ERCC6 is on the minus strand). VCF-style: chr10-49524328-C-G. GRCh37 (hg19) VCF-style: chr10-50732374-C-G.
Other names: c.1102G>C, p.Glu368Gln (NM_001277058.2, NM_001277059.2, NM_001346440.2); short protein forms E368Q.
Identifiers: ClinVar variation 1379419 (VCV001379419.3), dbSNP rs1177995093, ClinGen allele CA376752952.